The following is an entry in ClinVar:

NM_000506.5(F2):c.167T>C (p.Leu56Pro)

Gene: F2 (coagulation factor II, thrombin; plus strand). Cytogenetic location: 11p11.2.
Variant type: single nucleotide variant.
Coding change: c.167T>C on transcript NM_000506.5 (MANE Select); coding-DNA position 167, T replaced by C.
Protein change: p.Leu56Pro; replaces leucine 56 with proline.
Molecular consequence: missense variant.
Genome position (GRCh38, 1-based): chr11:46,719,789, T>C. VCF-style: chr11-46719789-T-C. GRCh37 (hg19) VCF-style: chr11-46741339-T-C.
Other names: short protein forms L56P.
Identifiers: ClinVar variation 1777888 (VCV001777888.2), dbSNP rs757486222, ClinGen allele CA5966817.

ClinVar aggregate classification (germline): Uncertain significance (1 of 4 stars; one submission).

Conditions:
Inborn genetic diseases. Identifiers: MedGen C0950123, MeSH D030342.

Allele frequency attached by ClinVar (database versions not stated): gnomAD 0.00001; TOPMed 0.00003; gnomAD exomes 0.00005; ExAC 0.00009.
gnomAD v4.1: 71 of 1,597,258 alleles (0.0044%); highest among the groups gnomAD compares: Non-Finnish European, 0.006%; no homozygotes.

Submission:

Ambry Genetics
Classification: Uncertain significance for Inborn genetic diseases. Last evaluated: 2022-06-02. Review status: criteria provided, single submitter. Criteria: Ambry Variant Classification Scheme 2023. Collection method: clinical testing. Allele origin: germline.
Comment: The p.L56P variant (also known as c.167T>C), located in coding exon 2 of the F2 gene, results from a T to C substitution at nucleotide position 167. The leucine at codon 56 is replaced by proline, an amino acid with similar properties. This amino acid position is conserved. In addition, this alteration is predicted to be deleterious by in silico analysis. Since supporting evidence is limited at this time, the clinical significance of this alteration remains unclear.